The following is an entry in ClinVar:

NM_000435.3(NOTCH3):c.4004_4006dup (p.Ser1335dup)

Gene: NOTCH3 (notch receptor 3; minus strand). Cytogenetic location: 19p13.12.
Variant type: Duplication.
Coding change: c.4004_4006dup on transcript NM_000435.3 (MANE Select); coding-DNA positions 4004 to 4006, 3 bases duplicated (GCA; older notation c.4004_4006dupGCA).
Protein change: p.Ser1335dup; duplicates serine 1335.
Molecular consequence: inframe insertion.
Genome position (GRCh38, 1-based): chr19:15,177,922-15,177,924, TGC duplicated on the plus strand (GCA on the coding strand, the reverse complement: NOTCH3 is on the minus strand); duplicating any 3 consecutive bases within chr19:15,177,922-15,177,926 gives the same sequence; the c. name uses the placement nearest the transcript's 3' end. VCF-style (leftmost placement, unchanged base first): chr19-15177921-T-TTGC. GRCh37 (hg19) VCF-style: chr19-15288732-T-TTGC.
Identifiers: ClinVar variation 447844 (VCV000447844.8), dbSNP rs1555727412, ClinGen allele CA658658796.
Genomic context (GRCh38, chr19:15,177,921, plus strand): 5'-GCGAGCGGCGCGGGGCGGCAGGAGCCCCCGTGGAGACAGGGGGCGGCCGCGCAGCTGGCG[T>TTGC]TGCTGGCCCCCGGCGGCGACCCCGGGAAGCTGCGGCAGGAGGGTCCCGACAACCCTGGGG-3'

ClinVar aggregate classification (germline): Uncertain significance. Review status: criteria provided, multiple submitters, no conflicts (2 of 4 stars). 2 submissions from 2 submitters: Uncertain significance (2). Last evaluated 2024-08-29.

Submissions (2):

Labcorp Genetics (formerly Invitae), Labcorp
Classification: Uncertain significance. Last evaluated: 2024-08-29. Review status: criteria provided, single submitter. Criteria: Invitae Variant Classification Sherloc (09022015). Collection method: clinical testing. Allele origin: germline.
Comment: This variant, c.4004_4006dup, results in the insertion of 1 amino acid(s) of the NOTCH3 protein (p.Ser1335dup), but otherwise preserves the integrity of the reading frame. This variant is not present in population databases (gnomAD no frequency). This variant has not been reported in the literature in individuals affected with NOTCH3-related conditions. ClinVar contains an entry for this variant (Variation ID: 447844). In summary, the available evidence is currently insufficient to determine the role of this variant in disease. Therefore, it has been classified as a Variant of Uncertain Significance.

Athena Diagnostics
Classification: Uncertain significance. Last evaluated: 2021-04-13. Review status: criteria provided, single submitter. Criteria: Athena Diagnostics criteria. Collection method: clinical testing. Allele origin: unknown.